The following is an entry in ClinVar:

NM_001384140.1(PCDH15):c.4246C>T (p.Gln1416Ter)

Gene: PCDH15 (protocadherin related 15; minus strand). Cytogenetic location: 10q21.1.
Variant type: single nucleotide variant.
Coding change: c.4246C>T on transcript NM_001384140.1 (MANE Select); coding-DNA position 4246, C replaced by T.
Protein change: p.Gln1416Ter; replaces glutamine 1416 with a stop codon.
Molecular consequence: nonsense.
Genome position (GRCh38, 1-based): chr10:53,827,514, G>A on the plus strand (C>T on the coding strand, the complement: PCDH15 is on the minus strand). VCF-style: chr10-53827514-G-A. GRCh37 (hg19) VCF-style: chr10-55587274-G-A.
Other names: c.4261C>T, p.Gln1421Ter (NM_001142763.2, NM_001142771.2); c.4246C>T, p.Gln1416Ter (NM_001142764.2, NM_001142770.3, NM_001142772.2 and 3 more transcripts); c.4033C>T, p.Gln1345Ter (NM_001142765.2); c.4237C>T, p.Gln1413Ter (NM_001142766.2); c.4126C>T, p.Gln1376Ter (NM_001142767.2); c.4180C>T, p.Gln1394Ter (NM_001142768.2, NM_001354404.2); c.4282C>T, p.Gln1428Ter (NM_001142769.4); c.4171C>T, p.Gln1391Ter (NM_001142773.2); and 1 more; short protein forms Q1345*, Q1391*, Q1413*, Q1376*, Q1421*, Q1428*, Q1423*, Q1394*.
Identifiers: ClinVar variation 3657115 (VCV003657115.2).

ClinVar aggregate classification (germline): Pathogenic (1 of 4 stars; one submission).

gnomAD v4.1: 1 of 1,614,134 alleles (0.000062%); highest among the groups gnomAD compares: Admixed American, 0.0017%; no homozygotes.

Submission:

Labcorp Genetics (formerly Invitae), Labcorp
Classification: Pathogenic. Last evaluated: 2024-07-07. Review status: criteria provided, single submitter. Criteria: Invitae Variant Classification Sherloc (09022015). Collection method: clinical testing. Allele origin: germline.
Comment: This sequence change creates a premature translational stop signal (p.Gln1416*) in the PCDH15 gene. It is expected to result in an absent or disrupted protein product. Loss-of-function variants in PCDH15 are known to be pathogenic (PMID: 11398101, 11487575, 14570705). This variant is present in population databases (no rsID available, gnomAD 0.003%). This variant has not been reported in the literature in individuals affected with PCDH15-related conditions. For these reasons, this variant has been classified as Pathogenic.

Literature cited by the submitters: PubMed 11398101; PubMed 11487575; PubMed 14570705.